The following is an entry in ClinVar:

ClinVar aggregate classification (germline): Uncertain significance (1 of 4 stars; one submission).

Conditions:
Hereditary cancer-predisposing syndrome. Also called: Neoplastic Syndromes, Hereditary; Tumor predisposition; Hereditary neoplastic syndrome; Hereditary Cancer Syndrome. Identifiers: Orphanet 140162, MedGen C0027672, MeSH D009386, MONDO:0015356.

Submission:

Ambry Genetics
Classification: Uncertain significance for Hereditary cancer-predisposing syndrome. Last evaluated: 2017-12-26. Review status: criteria provided, single submitter. Criteria: Ambry Variant Classification Scheme 2023. Collection method: clinical testing. Allele origin: germline.
Comment: The c.3259_3261dupCCC (p.P1087DUP) alteration is located in exon 5 (coding exon 5) of the MSH6 gene. The alteration consists of an in-frame duplication of 3 nucleotides from position 3259 to 3261, resulting in the duplication of <NA> residues. Based on insufficient or conflicting evidence, the clinical significance of this alteration remains unclear.

NM_000179.3(MSH6):c.3259_3261dup (p.Pro1087_Phe1088insPro)

Gene: MSH6 (mutS homolog 6; plus strand). Cytogenetic location: 2p16.3.
Variant type: Duplication.
Coding change: c.3259_3261dup on transcript NM_000179.3 (MANE Select); coding-DNA positions 3259 to 3261, 3 bases duplicated (CCC; older notation c.3259_3261dupCCC).
Protein change: p.Pro1087_Phe1088insPro.
Molecular consequence: inframe insertion. On other transcripts: inframe indel (1), non-coding transcript variant (5), intron variant (1).
Genome position (GRCh38, 1-based): chr2:47,803,506-47,803,508, CCC duplicated; duplicating any 3 consecutive bases within chr2:47,803,501-47,803,508 gives the same sequence; the c. name uses the placement nearest the transcript's 3' end. VCF-style (leftmost placement, unchanged base first): chr2-47803500-A-ACCC. GRCh37 (hg19) VCF-style: chr2-48030639-A-ACCC.
Other names: c.3259_3261dupCCC (NM_000179.2); c.2869_2871dup, p.Pro957_Phe958insPro (NM_001281492.2); c.2353_2355dup, p.Pro785_Phe786insPro (NM_001281493.2, NM_001281494.2, NM_001406811.1 and 6 more transcripts); c.3355_3357dup, p.Pro1119_Phe1120insPro (NM_001406795.1, NM_001406802.1); c.3259_3261dup, p.Pro1087_Phe1088insPro (NM_001406796.1, NM_001406800.1, NM_001406808.1 and 1 more transcripts); c.2962_2964dup, p.Pro988_Phe989insPro (NM_001406797.1, NM_001406801.1, NM_001406805.1 and 10 more transcripts); c.2734_2736dup, p.Pro912_Phe913insPro (NM_001406799.1, NM_001406806.1, NM_001406807.1); c.2395_2397dup, p.Pro799_Phe800insPro (NM_001406803.1); and 8 more.
Identifiers: ClinVar variation 3076145 (VCV003076145.1), dbSNP rs267608078, ClinGen allele CA2658950256.